The following is an entry in ClinVar:

ClinVar aggregate classification (germline): Uncertain significance. Review status: criteria provided, multiple submitters, no conflicts (2 of 4 stars). 2 submissions from 2 submitters: Uncertain significance (2). Last evaluated 2026-04-15.

Conditions:
Autosomal dominant intellectual disability-craniofacial anomalies-cardiac defects syndrome (ARTHS). Also called: Mental retardation, autosomal dominant 32; KAT6A syndrome; Arboleda-Tham syndrome. Identifiers: Orphanet 457193, MedGen C4225396, MONDO:0014558, OMIM 616268.
Inborn genetic diseases. Identifiers: MedGen C0950123, MeSH D030342.

Allele frequency attached by ClinVar (database versions not stated): gnomAD exomes below 0.00001.
gnomAD v4.1: 1 of 1,613,908 alleles (0.000062%); highest among the groups gnomAD compares: Non-Finnish European, 0.000085%; no homozygotes.

Submissions (2):

Ambry Genetics
Classification: Uncertain significance for Inborn genetic diseases. Last evaluated: 2026-04-15. Review status: criteria provided, single submitter. Criteria: Ambry Variant Classification Scheme 2023. Collection method: clinical testing. Allele origin: germline.
Comment: The c.2242C>T (p.R748C) alteration is located in exon 14 (coding exon 13) of the KAT6A gene. This alteration results from a C to T substitution at nucleotide position 2242, causing the arginine (R) at amino acid position 748 to be replaced by a cysteine (C). This variant was not reported in population-based cohorts in the Genome Aggregation Database (gnomAD). This amino acid position is highly conserved in available vertebrate species. This alteration is predicted to be deleterious by in silico analysis. Based on insufficient or conflicting evidence, the clinical significance of this alteration remains unclear.

Dr. med. U. Finckh, Human Genetics, Eurofins MVZ
Classification: Uncertain significance for Autosomal dominant intellectual disability-craniofacial anomalies-cardiac defects syndrome. Last evaluated: 2019-09-03. Review status: criteria provided, single submitter. Criteria: ACMG Guidelines, 2015. Collection method: clinical testing. Allele origin: unknown.

NM_006766.5(KAT6A):c.2242C>T (p.Arg748Cys)

Gene: KAT6A (lysine acetyltransferase 6A; minus strand). Cytogenetic location: 8p11.21.
Variant type: single nucleotide variant.
Coding change: c.2242C>T on transcript NM_006766.5 (MANE Select); coding-DNA position 2242, C replaced by T.
Protein change: p.Arg748Cys; replaces arginine 748 with cysteine.
Molecular consequence: missense variant.
Genome position (GRCh38, 1-based): chr8:41,942,987, G>A on the plus strand (C>T on the coding strand, the complement: KAT6A is on the minus strand). VCF-style: chr8-41942987-G-A. GRCh37 (hg19) VCF-style: chr8-41800505-G-A.
Other names: c.2242C>T, p.Arg748Cys (NM_001305878.2); c.2242C>T (NM_006766.3); short protein forms R748C.
Identifiers: ClinVar variation 2505542 (VCV002505542.2), dbSNP rs1822212991, ClinGen allele CA371072905.